The following is an entry in ClinVar:

ClinVar aggregate classification (germline): Uncertain significance (1 of 4 stars; one submission).

Conditions:
Deficiency of 2-methylbutyryl-CoA dehydrogenase (ACADSB). Also called: 2-methylbutyryl-CoA dehydrogenase deficiency; SBCAD deficiency; 2-methylbutyric aciduria; Short branched-chain acyl-CoA dehydrogenase deficiency; 2-methylbutyrylglycinuria. Identifiers: Orphanet 79157, MedGen C1864912, MONDO:0012392, OMIM 610006, HP:0020147.

Allele frequency attached by ClinVar (database versions not stated): gnomAD 0.00001 and 0.00005; gnomAD exomes 0.00007 and 0.00019; ExAC 0.00018.

Submission:

Labcorp Genetics (formerly Invitae), Labcorp
Classification: Uncertain significance for Deficiency of 2-methylbutyryl-CoA dehydrogenase. Last evaluated: 2021-05-07. Review status: criteria provided, single submitter. Criteria: Invitae Variant Classification Sherloc (09022015). Collection method: clinical testing. Allele origin: germline.
Comment: In summary, the available evidence is currently insufficient to determine the role of this variant in disease. Therefore, it has been classified as a Variant of Uncertain Significance. Algorithms developed to predict the effect of missense changes on protein structure and function (SIFT, PolyPhen-2, Align-GVGD) all suggest that this variant is likely to be tolerated, but these predictions have not been confirmed by published functional studies and their clinical significance is uncertain. This variant has not been reported in the literature in individuals with ACADSB-related conditions. This variant is present in population databases (rs748042148, ExAC 0.1%). This sequence change replaces glutamine with glutamic acid at codon 380 of the ACADSB protein (p.Gln380Glu). The glutamine residue is weakly conserved and there is a small physicochemical difference between glutamine and glutamic acid.

NM_001609.4(ACADSB):c.1138C>G (p.Gln380Glu)

Gene: ACADSB (acyl-CoA dehydrogenase short/branched chain; plus strand). Cytogenetic location: 10q26.13.
Variant type: single nucleotide variant.
Coding change: c.1138C>G on transcript NM_001609.4 (MANE Select); coding-DNA position 1138, C replaced by G.
Protein change: p.Gln380Glu; replaces glutamine 380 with glutamic acid.
Molecular consequence: missense variant.
Genome position (GRCh38, 1-based): chr10:123,053,070, C>G. VCF-style: chr10-123053070-C-G. GRCh37 (hg19) VCF-style: chr10-124812586-C-G.
Other names: c.832C>G, p.Gln278Glu (NM_001330174.3); short protein forms Q278E, Q380E.
Identifiers: ClinVar variation 1057045 (VCV001057045.9), dbSNP rs748042148, ClinGen allele CA5730942.